The following is an entry in ClinVar:

NM_017950.4(CCDC40):c.3160C>T (p.Leu1054Phe)

Gene: CCDC40 (coiled-coil domain 40 molecular ruler complex subunit; plus strand). Cytogenetic location: 17q25.3.
Variant type: single nucleotide variant.
Coding change: c.3160C>T on transcript NM_017950.4 (MANE Select); coding-DNA position 3160, C replaced by T.
Protein change: p.Leu1054Phe; replaces leucine 1054 with phenylalanine.
Molecular consequence: missense variant.
Genome position (GRCh38, 1-based): chr17:80,097,383, C>T. VCF-style: chr17-80097383-C-T. GRCh37 (hg19) VCF-style: chr17-78071182-C-T.
Other names: short protein forms L1054F.
Identifiers: ClinVar variation 4772209 (VCV004772209.1).

ClinVar aggregate classification (germline): Uncertain significance (1 of 4 stars; one submission).

Conditions:
Primary ciliary dyskinesia. Also called: Ciliary dyskinesia. Identifiers: Orphanet 244, MedGen C0008780, MONDO:0016575, HP:0012265.

Submission:

Labcorp Genetics (formerly Invitae), Labcorp
Classification: Uncertain significance for Primary ciliary dyskinesia. Last evaluated: 2025-03-31. Review status: criteria provided, single submitter. Criteria: Invitae Variant Classification Sherloc (09022015). Collection method: clinical testing. Allele origin: germline.
Comment: This sequence change replaces leucine, which is neutral and non-polar, with phenylalanine, which is neutral and non-polar, at codon 1054 of the CCDC40 protein (p.Leu1054Phe). This variant is not present in population databases (gnomAD no frequency). This variant has not been reported in the literature in individuals affected with CCDC40-related conditions. Invitae Evidence Modeling of protein sequence and biophysical properties (such as structural, functional, and spatial information, amino acid conservation, physicochemical variation, residue mobility, and thermodynamic stability) has been performed for this missense variant. However, the output from this modeling did not meet the statistical confidence thresholds required to predict the impact of this variant on CCDC40 protein function. In summary, the available evidence is currently insufficient to determine the role of this variant in disease. Therefore, it has been classified as a Variant of Uncertain Significance.